The following is an entry in ClinVar:

ClinVar aggregate classification (germline): Benign (1 of 4 stars; one submission).

Allele frequency attached by ClinVar (database versions not stated): 1000 Genomes Project 30x 0.21627; 1000 Genomes Project 0.21705; TOPMed 0.29186; gnomAD 0.30179 and 0.30423.
gnomAD v4.1: 45,928 of 152,100 alleles (30%); highest among the groups gnomAD compares: Non-Finnish European, 40%; 7,871 homozygotes.

Submission:

GeneDx
Classification: Benign. Last evaluated: 2018-06-14. Review status: criteria provided, single submitter. Criteria: GeneDx Variant Classification (06012015). Collection method: clinical testing. Allele origin: germline. Affected: yes.
Comment: This variant is considered likely benign or benign based on one or more of the following criteria: it is a conservative change, it occurs at a poorly conserved position in the protein, it is predicted to be benign by multiple in silico algorithms, and/or has population frequency not consistent with disease.

NM_001378615.1(CC2D2A):c.1467-170C>T

Genes: CC2D2A (coiled-coil and C2 domain containing 2A; plus strand), FBXL5 (F-box and leucine rich repeat protein 5; minus strand). Cytogenetic location: 4p15.32.
Variant type: single nucleotide variant.
Coding change: c.1467-170C>T on transcript NM_001378615.1 (MANE Select); 170 bases into the intron before coding-DNA position 1467, C replaced by T.
Molecular consequence: intron variant.
Genome position (GRCh38, 1-based): chr4:15,533,023, C>T. VCF-style: chr4-15533023-C-T. GRCh37 (hg19) VCF-style: chr4-15534646-C-T.
Other names: c.1467-170C>T (NM_001080522.2); c.1320-170C>T (NM_001378617.1).
Identifiers: ClinVar variation 678281 (VCV000678281.1), dbSNP rs11931401, ClinGen allele CA11772731.